The following is an entry in ClinVar:

ClinVar aggregate classification (germline): Likely pathogenic (1 of 4 stars; one submission).

Conditions:
Pheochromocytoma. Also called: MAX-Related Hereditary Paraganglioma-Pheochromocytoma Syndrome. Identifiers: Orphanet 29072, MedGen C0031511, MONDO:0008233, OMIM 171300, HP:0002666.

Submission:

Juno Genomics, Hangzhou Juno Genomics, Inc
Classification: Likely pathogenic for Pheochromocytoma. Review status: criteria provided, single submitter. Criteria: ACMG Guidelines, 2015. Collection method: clinical testing. Allele origin: germline.
Comment: Absent from controls (or at extremely low frequency if recessive) in Genome Aggregation Database.;Null variant in a gene where loss of function (LOF) is a known mechanism of disease.

NM_017849.4(TMEM127):c.193del (p.Glu65fs)

Gene: TMEM127 (transmembrane protein 127; minus strand). Cytogenetic location: 2q11.2.
Variant type: Deletion.
Coding change: c.193del on transcript NM_017849.4 (MANE Select); coding-DNA position 193, one base deleted (G; older notation c.193delG).
Protein change: p.Glu65fs; shifts the reading frame from glutamic acid 65.
Molecular consequence: frameshift variant. On other transcripts: intron variant (1).
Genome position (GRCh38, 1-based): chr2:96,265,189, C deleted on the plus strand (G on the coding strand, the reverse complement: TMEM127 is on the minus strand); the first of 2 consecutive C bases (chr2:96,265,189-96,265,190); deleting either gives the same sequence. VCF-style (leftmost placement, unchanged base first): chr2-96265188-TC-T. GRCh37 (hg19) VCF-style: chr2-96930926-TC-T.
Other names: c.193del, p.Glu65fs (NM_001193304.3); c.-9+680del (NM_001407283.1); short protein forms E65fs.
Identifiers: ClinVar variation 3382782 (VCV003382782.3).